The following is an entry in ClinVar:

NM_003098.3(SNTA1):c.47G>C (p.Arg16Pro)

Genes: SNTA1 (syntrophin alpha 1; minus strand), LOC130065680 (ATAC-STARR-seq lymphoblastoid silent region 12812; plus strand). Cytogenetic location: 20q11.21.
Variant type: single nucleotide variant.
Coding change: c.47G>C on transcript NM_003098.3 (MANE Select); coding-DNA position 47, G replaced by C.
Protein change: p.Arg16Pro; replaces arginine 16 with proline.
Molecular consequence: missense variant.
Genome position (GRCh38, 1-based): chr20:33,443,574, C>G on the plus strand (G>C on the coding strand, the complement: SNTA1 is on the minus strand). VCF-style: chr20-33443574-C-G. GRCh37 (hg19) VCF-style: chr20-32031380-C-G.
Other names: c.47G>C, p.Arg16Pro (NM_001424413.1, NM_001424414.1); short protein forms R16P.
Identifiers: ClinVar variation 2983528 (VCV002983528.5), dbSNP rs1158625885, ClinGen allele CA408634722.
Genomic context (GRCh38, chr20:33,443,574, plus strand): 5'-GCCAGACTCAGCAGCACCCGCTGCCATCGCTCGCCGCCGGCCCCCGAGCCCGCCCCGGCG[C>G]GCAGCTCCAGCAGCCCGGTGCGCGGGGCGCGCCTGCCGGACGCCATCTTCGCCTCCGAGC-3'
Protein context (NP_003089.1, residues 6-26): RAPRTGLLEL[Arg16Pro]AGAGSGAGGE

ClinVar aggregate classification (germline): Uncertain significance. Review status: criteria provided, multiple submitters, no conflicts (2 of 4 stars). 3 submissions from 3 submitters: Uncertain significance (3). Last evaluated 2026-02-02.

Conditions:
Cardiovascular phenotype. Identifiers: MedGen CN230736.
Long QT syndrome (LQTS). Identifiers: MedGen C0023976, MeSH D008133, MONDO:0002442. Disease mechanism: loss of function. Inheritance: Various modes of inheritance.

Allele frequency attached by ClinVar (database versions not stated): gnomAD exomes below 0.00001; gnomAD 0.00001; TOPMed 0.00002.
gnomAD v4.1: 4 of 1,317,846 alleles (0.0003%); highest among the groups gnomAD compares: Middle Eastern, 0.029%; no homozygotes.

Submissions (3):

Women's Health and Genetics/Laboratory Corporation of America, LabCorp
Classification: Uncertain significance. Last evaluated: 2026-02-02. Review status: criteria provided, single submitter. Criteria: LabCorp Variant Classification Summary - May 2015. Collection method: clinical testing. Allele origin: germline.

Ambry Genetics
Classification: Uncertain significance for Cardiovascular phenotype. Last evaluated: 2025-03-02. Review status: criteria provided, single submitter. Criteria: Ambry Variant Classification Scheme 2023. Collection method: clinical testing. Allele origin: germline.
Comment: The p.R16P variant (also known as c.47G>C), located in coding exon 1 of the SNTA1 gene, results from a G to C substitution at nucleotide position 47. The arginine at codon 16 is replaced by proline, an amino acid with dissimilar properties. This amino acid position is conserved. In addition, this alteration is predicted to be tolerated by in silico analysis. Based on the available evidence, the clinical significance of this variant remains unclear.

Labcorp Genetics (formerly Invitae), Labcorp
Classification: Uncertain significance for Long QT syndrome. Last evaluated: 2023-05-11. Review status: criteria provided, single submitter. Criteria: Invitae Variant Classification Sherloc (09022015). Collection method: clinical testing. Allele origin: germline.
Comment: In summary, the available evidence is currently insufficient to determine the role of this variant in disease. Therefore, it has been classified as a Variant of Uncertain Significance. This variant has not been reported in the literature in individuals affected with SNTA1-related conditions. An algorithm developed to predict the effect of missense changes on protein structure and function (PolyPhen-2) suggests that this variant is likely to be tolerated. This sequence change replaces arginine, which is basic and polar, with proline, which is neutral and non-polar, at codon 16 of the SNTA1 protein (p.Arg16Pro). This variant is not present in population databases (gnomAD no frequency).